The following is an entry in ClinVar:

NM_001164277.2(SLC37A4):c.1004G>A (p.Gly335Glu)

Gene: SLC37A4 (solute carrier family 37 member 4; minus strand). Cytogenetic location: 11q23.3.
Variant type: single nucleotide variant.
Coding change: c.1004G>A on transcript NM_001164277.2 (MANE Select); coding-DNA position 1004, G replaced by A.
Protein change: p.Gly335Glu; replaces glycine 335 with glutamic acid.
Molecular consequence: missense variant.
Genome position (GRCh38, 1-based): chr11:119,025,310, C>T on the plus strand (G>A on the coding strand, the complement: SLC37A4 is on the minus strand). VCF-style: chr11-119025310-C-T. GRCh37 (hg19) VCF-style: chr11-118896020-C-T.
Other names: c.1070G>A, p.Gly357Glu (NM_001164278.2); c.785G>A, p.Gly262Glu (NM_001164279.2); c.1004G>A, p.Gly335Glu (NM_001164280.2, NM_001467.6); short protein forms G357E, G335E, G262E.
Identifiers: ClinVar variation 663384 (VCV000663384.44), dbSNP rs1326123837, ClinGen allele CA382896342.

ClinVar aggregate classification (germline): Conflicting classifications of pathogenicity. Review status: criteria provided, conflicting classifications (1 of 4 stars). 7 submissions from 6 submitters: Likely pathogenic (1); Uncertain significance (5). 1 of the submissions does not count toward it. Last evaluated 2026-02-03.

Conditions:
Glycogen storage disease, type I. Identifiers: Orphanet 364, MedGen C0017920, MONDO:0002413.
Glucose-6-phosphate transport defect (GSD1B). Also called: Glycogen Storage Disease Type Ib; GSD Ib. Identifiers: Orphanet 364, Orphanet 79259, MedGen C0268146, MONDO:0009288, OMIM 232220.
Glycogen storage disease. Also called: glycogen storage disorder; Disorder of glycogen metabolism. Identifiers: Orphanet 79201, MedGen C0017919, MONDO:0002412.
Phosphate transport defect (GSD1C). Also called: GLYCOGEN STORAGE DISEASE Ic; GSD Ic. Identifiers: Orphanet 364, Orphanet 79259, MedGen C0342749, OMIM 232240.

Allele frequency attached by ClinVar (database versions not stated): gnomAD exomes below 0.00001.

Submissions (7):

Labcorp Genetics (formerly Invitae), Labcorp
Classification: Uncertain significance for Glucose-6-phosphate transport defect. Last evaluated: 2026-02-03. Review status: criteria provided, single submitter. Criteria: Invitae Variant Classification Sherloc (09022015). Collection method: clinical testing. Allele origin: germline.
Comment: This sequence change replaces glycine, which is neutral and non-polar, with glutamic acid, which is acidic and polar, at codon 335 of the SLC37A4 protein (p.Gly335Glu). This variant is not present in population databases (gnomAD no frequency). This missense change has been observed in individual(s) with glycogen storage disease (PMID: 32374048). ClinVar contains an entry for this variant (Variation ID: 663384). Invitae Evidence Modeling of protein sequence and biophysical properties (such as structural, functional, and spatial information, amino acid conservation, physicochemical variation, residue mobility, and thermodynamic stability) indicates that this missense variant is expected to disrupt SLC37A4 protein function with a positive predictive value of 80%. In summary, the available evidence is currently insufficient to determine the role of this variant in disease. Therefore, it has been classified as a Variant of Uncertain Significance.

Myriad Genetics, Inc.
Classification: Uncertain significance for Glycogen storage disease, type I. Last evaluated: 2025-12-23. Review status: criteria provided, single submitter. Criteria: Myriad Autosomal Dominant, Autosomal Recessive and X-Linked Classification Criteria (2023). Collection method: clinical testing. Allele origin: unknown.
Comment: NM_001164277.1(SLC37A4):c.1004G>A(G335E) is a missense variant classified as a variant of uncertain significance in the context of glycogen storage disease type Ib. G335E has been observed in a case with relevant disease (PMID: 32374048). Relevant functional assessments of this variant are available in the literature (PMID: 41136424). G335E has been observed in referenced population frequency databases. In summary, there is insufficient evidence to classify NM_001164277.1(SLC37A4):c.1004G>A(G335E) as pathogenic or benign. Please note: this variant was assessed in the context of healthy population screening.

Genetics Laboratory, Great Ormond Street Hospital NHS Foundation Trust, North Thames Genomic Laboratory Hub
Classification: Likely pathogenic for Glycogen storage disease. Last evaluated: 2025-09-15. Review status: criteria provided, single submitter. Criteria: ACGS Best Practice Guidelines for Variant Classification in Rare Disease 2024 v1.2. Collection method: clinical testing. Allele origin: germline. Affected: yes.
Comment: PM2_moderate, PP3_supporting, PM3_moderate, PP4_supporting

CeGaT Center for Human Genetics Tuebingen
Classification: Uncertain significance. Last evaluated: 2022-07-01. Review status: criteria provided, single submitter. Criteria: CeGaT Center For Human Genetics Tuebingen Variant Classification Criteria Version 2. Collection method: clinical testing. Allele origin: germline. Affected: yes. Observed: 1 variant allele.
Comment: SLC37A4: PM2, PP3

Genome-Nilou Lab
Classification: Uncertain significance for Glucose-6-phosphate transport defect. Last evaluated: 2021-07-22. Review status: criteria provided, single submitter. Criteria: ACMG Guidelines, 2015. Collection method: clinical testing. Allele origin: germline. Affected: no.

Genome-Nilou Lab
Classification: Uncertain significance for Phosphate transport defect. Last evaluated: 2021-07-22. Review status: criteria provided, single submitter. Criteria: ACMG Guidelines, 2015. Collection method: clinical testing. Allele origin: germline. Affected: no.

Natera, Inc.
Classification: Uncertain significance for Glycogen storage disease type Ib. Last evaluated: 2020-07-23. Review status: no assertion criteria provided. Collection method: clinical testing. Allele origin: germline. Not counted in ClinVar's aggregate classification.

Literature cited by the submitters: PubMed 32374048 (cited by Labcorp Genetics (formerly Invitae), Labcorp and Myriad Genetics, Inc.); PubMed 41136424 (cited by Myriad Genetics, Inc.).